The following is an entry in ClinVar:

ClinVar aggregate classification (germline): Uncertain significance. Review status: criteria provided, multiple submitters, no conflicts (2 of 4 stars). 2 submissions from 2 submitters: Uncertain significance (2). Last evaluated 2024-12-22.

Conditions:
HIVEP2-related disorder. Also called: HIVEP2-related condition.
Inborn genetic diseases. Identifiers: MedGen C0950123, MeSH D030342.

gnomAD v4.1: 1 of 1,614,192 alleles (0.000062%); highest among the groups gnomAD compares: Non-Finnish European, 0.000085%; no homozygotes.

Submissions (2):

PreventionGenetics, part of Exact Sciences
Classification: Uncertain significance for HIVEP2-related condition. Last evaluated: 2024-12-22. Review status: criteria provided, single submitter. Criteria: ACMG Guidelines, 2015. Collection method: clinical testing. Allele origin: germline.
Comment: The HIVEP2 c.3734C>T variant is predicted to result in the amino acid substitution p.Pro1245Leu. To our knowledge, this variant has not been reported in the literature or in a large population database (gnomAD), indicating this variant is rare. At this time, the clinical significance of this variant is uncertain due to the absence of conclusive functional and genetic evidence.

Ambry Genetics
Classification: Uncertain significance for Inborn genetic diseases. Last evaluated: 2024-08-28. Review status: criteria provided, single submitter. Criteria: Ambry Variant Classification Scheme 2023. Collection method: clinical testing. Allele origin: germline.

NM_006734.4(HIVEP2):c.3734C>T (p.Pro1245Leu)

Gene: HIVEP2 (HIVEP zinc finger 2; minus strand). Cytogenetic location: 6q24.2.
Variant type: single nucleotide variant.
Coding change: c.3734C>T on transcript NM_006734.4 (MANE Select); coding-DNA position 3734, C replaced by T.
Protein change: p.Pro1245Leu; replaces proline 1245 with leucine.
Molecular consequence: missense variant.
Genome position (GRCh38, 1-based): chr6:142,771,005, G>A on the plus strand (C>T on the coding strand, the complement: HIVEP2 is on the minus strand). VCF-style: chr6-142771005-G-A. GRCh37 (hg19) VCF-style: chr6-143092142-G-A.
Other names: short protein forms P1245L.
Identifiers: ClinVar variation 3525725 (VCV003525725.2).